The following is an entry in ClinVar:

ClinVar aggregate classification (germline): Uncertain significance. Review status: criteria provided, multiple submitters, no conflicts (2 of 4 stars). 2 submissions from 2 submitters: Uncertain significance (2). Last evaluated 2025-02-20.

Conditions:
Inborn genetic diseases. Identifiers: MedGen C0950123, MeSH D030342.

Submissions (2):

Ambry Genetics
Classification: Uncertain significance for Inborn genetic diseases. Last evaluated: 2025-02-20. Review status: criteria provided, single submitter. Criteria: Ambry Variant Classification Scheme 2023. Collection method: clinical testing. Allele origin: germline.
Comment: The p.P87A variant (also known as c.259C>G), located in coding exon 1 of the KDM1A gene, results from a C to G substitution at nucleotide position 259. The proline at codon 87 is replaced by alanine, an amino acid with highly similar properties. This amino acid position is conserved. In addition, this alteration is predicted to be tolerated by in silico analysis. Based on the available evidence, the clinical significance of this variant remains unclear.

Labcorp Genetics (formerly Invitae), Labcorp
Classification: Uncertain significance. Last evaluated: 2024-10-24. Review status: criteria provided, single submitter. Criteria: Invitae Variant Classification Sherloc (09022015). Collection method: clinical testing. Allele origin: germline.
Comment: This sequence change replaces proline, which is neutral and non-polar, with alanine, which is neutral and non-polar, at codon 87 of the KDM1A protein (p.Pro87Ala). This variant is not present in population databases (gnomAD no frequency). This variant has not been reported in the literature in individuals affected with KDM1A-related conditions. ClinVar contains an entry for this variant (Variation ID: 2019339). An algorithm developed to predict the effect of missense changes on protein structure and function (PolyPhen-2) suggests that this variant is likely to be tolerated. In summary, the available evidence is currently insufficient to determine the role of this variant in disease. Therefore, it has been classified as a Variant of Uncertain Significance.

NM_001009999.3(KDM1A):c.259C>G (p.Pro87Ala)

Gene: KDM1A (lysine demethylase 1A; plus strand). Cytogenetic location: 1p36.12.
Variant type: single nucleotide variant.
Coding change: c.259C>G on transcript NM_001009999.3 (MANE Select); coding-DNA position 259, C replaced by G.
Protein change: p.Pro87Ala; replaces proline 87 with alanine.
Molecular consequence: missense variant.
Genome position (GRCh38, 1-based): chr1:23,019,855, C>G. VCF-style: chr1-23019855-C-G. GRCh37 (hg19) VCF-style: chr1-23346348-C-G.
Other names: c.259C>G, p.Pro87Ala (NM_001363654.2, NM_001410762.1, NM_001410763.1 and 1 more transcripts); c.259C>G (NM_001009999.2); short protein forms P87A.
Identifiers: ClinVar variation 2019339 (VCV002019339.5), dbSNP rs901765557, ClinGen allele CA19198938.